The following is an entry in ClinVar:

ClinVar aggregate classification (germline): Uncertain significance (1 of 4 stars; one submission).

Conditions:
Peroxisome biogenesis disorder, complementation group 7 (CG7). Also called: Peroxisome biogenesis disorder, complementation group B. Identifiers: MedGen C1864399.

Allele frequency attached by ClinVar (database versions not stated): gnomAD exomes below 0.00001.

Submission:

Labcorp Genetics (formerly Invitae), Labcorp
Classification: Uncertain significance for Peroxisome biogenesis disorder, complementation group 7. Last evaluated: 2022-05-13. Review status: criteria provided, single submitter. Criteria: Invitae Variant Classification Sherloc (09022015). Collection method: clinical testing. Allele origin: germline.
Comment: In summary, the available evidence is currently insufficient to determine the role of this variant in disease. Therefore, it has been classified as a Variant of Uncertain Significance. Algorithms developed to predict the effect of missense changes on protein structure and function (SIFT, PolyPhen-2, Align-GVGD) all suggest that this variant is likely to be tolerated. This variant has not been reported in the literature in individuals affected with PEX10-related conditions. This variant is not present in population databases (gnomAD no frequency). This sequence change replaces alanine, which is neutral and non-polar, with threonine, which is neutral and polar, at codon 4 of the PEX10 protein (p.Ala4Thr).

NM_002617.4(PEX10):c.10G>A (p.Ala4Thr)

Gene: PEX10 (peroxisomal biogenesis factor 10; minus strand). Cytogenetic location: 1p36.32.
Variant type: single nucleotide variant.
Coding change: c.10G>A on transcript NM_002617.4 (MANE Select); coding-DNA position 10, G replaced by A.
Protein change: p.Ala4Thr; replaces alanine 4 with threonine.
Molecular consequence: missense variant. On other transcripts: intron variant (2).
Genome position (GRCh38, 1-based): chr1:2,412,493, C>T on the plus strand (G>A on the coding strand, the complement: PEX10 is on the minus strand). VCF-style: chr1-2412493-C-T. GRCh37 (hg19) VCF-style: chr1-2343932-C-T.
Other names: c.10G>A, p.Ala4Thr (NM_001374425.1, NM_153818.2); c.-321+1104G>A (NM_001374427.1, NM_001374426.1); short protein forms A4T.
Identifiers: ClinVar variation 1993833 (VCV001993833.4), dbSNP rs2100441740, ClinGen allele CA337990777.